The following is an entry in ClinVar:

ClinVar aggregate classification (germline): Pathogenic (1 of 4 stars; one submission).

Conditions:
PCWH syndrome. Also called: WAARDENBURG-SHAH SYNDROME, NEUROLOGIC VARIANT. Identifiers: Orphanet 163746, MedGen C1836727, MONDO:0012198, OMIM 609136.

Submission:

NIMGenetics
Classification: Pathogenic for PCWH syndrome. Last evaluated: 2021-12-24. Review status: criteria provided, single submitter. Criteria: ACMG Guidelines, 2015. Collection method: clinical testing. Allele origin: paternal. Affected: yes. Observed: 1 variant allele.

NM_006941.4(SOX10):c.966dup (p.Ala323fs)

Genes: POLR2F (RNA polymerase II, I and III subunit F; plus strand), SOX10 (SRY-box transcription factor 10; minus strand). Cytogenetic location: 22q13.1.
Variant type: Duplication.
Coding change: c.966dup on transcript NM_006941.4 (MANE Select); coding-DNA position 966, one base duplicated (T; older notation c.966dupT).
Protein change: p.Ala323fs; shifts the reading frame from alanine 323.
Molecular consequence: frameshift variant. On other transcripts: intron variant (3).
Genome position (GRCh38, 1-based): chr22:37,973,930, A duplicated on the plus strand (T on the coding strand, the reverse complement: SOX10 is on the minus strand). VCF-style (leftmost placement, unchanged base first): chr22-37973929-C-CA. GRCh37 (hg19) VCF-style: chr22-38369936-C-CA.
Other names: c.966dupT (NM_006941.4); c.*38+1620dup (NM_001363825.1); c.293+6760dup (NM_001301130.2, NM_001301131.2); short protein forms A323fs.
Identifiers: ClinVar variation 1329464 (VCV001329464.3), dbSNP rs2145761378, ClinGen allele CA2573055008.